The following is an entry in ClinVar:

NM_001276345.2(TNNT2):c.865G>A (p.Gly289Arg)

Gene: TNNT2 (troponin T2, cardiac type; minus strand). Cytogenetic location: 1q32.1.
Variant type: single nucleotide variant.
Coding change: c.865G>A on transcript NM_001276345.2 (MANE Select); coding-DNA position 865, G replaced by A.
Protein change: p.Gly289Arg; replaces glycine 289 with arginine.
Molecular consequence: missense variant.
Genome position (GRCh38, 1-based): chr1:201,359,242, C>T on the plus strand (G>A on the coding strand, the complement: TNNT2 is on the minus strand). VCF-style: chr1-201359242-C-T. GRCh37 (hg19) VCF-style: chr1-201328370-C-T.
Other names: c.856G>A, p.Gly286Arg (NM_000364.4); c.835G>A, p.Gly279Arg (NM_001001430.3, NM_001276347.2); c.826G>A, p.Gly276Arg (NM_001001431.3); c.817G>A, p.Gly273Arg (NM_001001432.3); c.736G>A, p.Gly246Arg (NM_001276346.2); short protein forms G279R, G286R, G246R, G289R, G273R, G276R.
Identifiers: ClinVar variation 426271 (VCV000426271.13), dbSNP rs757664792, ClinGen allele CA088459.
Genomic context (GRCh38, chr1:201,359,242, plus strand): 5'-GCAGATCTTTGGTGAAGGAGGCCAGGCTCTATTTCCAGCGCCCGGTGACTTTAGCCTTCC[C>T]GCGGGTCTTGGAGCTGCAGGGGAAGCAGGACGCAGTGACATGGAGACACAGGCAGGGTAG-3'
Protein context (NP_001263274.1, residues 279-298): NDNQKVSKTR[Gly289Arg]KAKVTGRWK

ClinVar aggregate classification (germline): Uncertain significance. Review status: criteria provided, multiple submitters, no conflicts (2 of 4 stars). 8 submissions from 6 submitters: Uncertain significance (8). Last evaluated 2026-01-13.

Conditions:
Cardiovascular phenotype. Identifiers: MedGen CN230736.
Cardiomyopathy, familial restrictive, 3. Identifiers: Orphanet 75249, MedGen C2676271, MONDO:0012900, OMIM 612422.
Hypertrophic cardiomyopathy 2. Also called: TNNT2-Related Familial Hypertrophic Cardiomyopathy. Identifiers: MedGen C1861864, MONDO:0007266, OMIM 115195.
Dilated cardiomyopathy 1D. Identifiers: Orphanet 154, Orphanet 54260, MedGen C1832243, MONDO:0011095, OMIM 601494.

Allele frequency attached by ClinVar (database versions not stated): gnomAD exomes below 0.00001; ExAC 0.00001; TOPMed 0.00001.
gnomAD v4.1: 3 of 1,611,326 alleles (0.00019%); highest among the groups gnomAD compares: Non-Finnish European, 0.00025%; no homozygotes.

Submissions (8):

Labcorp Genetics (formerly Invitae), Labcorp
Classification: Uncertain significance for Cardiomyopathy, familial restrictive, 3; Hypertrophic cardiomyopathy 2; Dilated cardiomyopathy 1D. Last evaluated: 2026-01-13. Review status: criteria provided, single submitter. Criteria: Invitae Variant Classification Sherloc (09022015). Collection method: clinical testing. Allele origin: germline.
Comment: This sequence change replaces glycine, which is neutral and non-polar, with arginine, which is basic and polar, at codon 279 of the TNNT2 protein (p.Gly279Arg). The frequency data for this variant in the population databases is considered unreliable, as metrics indicate poor data quality at this position in the gnomAD database. This variant has not been reported in the literature in individuals affected with TNNT2-related conditions. ClinVar contains an entry for this variant (Variation ID: 426271). Invitae Evidence Modeling of protein sequence and biophysical properties (such as structural, functional, and spatial information, amino acid conservation, physicochemical variation, residue mobility, and thermodynamic stability) indicates that this missense variant is not expected to disrupt TNNT2 protein function with a negative predictive value of 80%. In summary, the available evidence is currently insufficient to determine the role of this variant in disease. Therefore, it has been classified as a Variant of Uncertain Significance.

Ambry Genetics
Classification: Uncertain significance for Cardiovascular phenotype. Last evaluated: 2025-11-25. Review status: criteria provided, single submitter. Criteria: Ambry Variant Classification Scheme 2023. Collection method: clinical testing. Allele origin: germline.
Comment: The p.G279R variant (also known as c.835G>A), located in coding exon 15 of the TNNT2 gene, results from a G to A substitution at nucleotide position 835. The glycine at codon 279 is replaced by arginine, an amino acid with dissimilar properties. This variant was reported in individual(s) with features consistent with dilated cardiomyopathy (Janin A et al. Mol Diagn Ther, 2021 May;25:373-385; P&eacute;rez-Serra A et al. Int J Mol Sci, 2024 Mar;25:). This amino acid position is highly conserved in available vertebrate species. In addition, the in silico prediction for this alteration is inconclusive. Based on the available evidence, the clinical significance of this variant remains unclear.

Genome-Nilou Lab
Classification: Uncertain significance for Dilated cardiomyopathy 1D. Last evaluated: 2023-04-11. Review status: criteria provided, single submitter. Criteria: ACMG Guidelines, 2015. Collection method: clinical testing. Allele origin: germline. Affected: no.

Genome-Nilou Lab
Classification: Uncertain significance for Cardiomyopathy, familial restrictive, 3. Last evaluated: 2023-04-11. Review status: criteria provided, single submitter. Criteria: ACMG Guidelines, 2015. Collection method: clinical testing. Allele origin: germline. Affected: no.

Genome-Nilou Lab
Classification: Uncertain significance for Hypertrophic cardiomyopathy 2. Last evaluated: 2023-04-11. Review status: criteria provided, single submitter. Criteria: ACMG Guidelines, 2015. Collection method: clinical testing. Allele origin: germline. Affected: no.

Blueprint Genetics
Classification: Uncertain significance. Last evaluated: 2023-01-31. Review status: criteria provided, single submitter. Criteria: ACMG Guidelines, 2015. Collection method: clinical testing. Allele origin: germline.

Fulgent Genetics
Classification: Uncertain significance for Hypertrophic cardiomyopathy 2; Dilated cardiomyopathy 1D; Cardiomyopathy, familial restrictive, 3. Last evaluated: 2022-04-26. Review status: criteria provided, single submitter. Criteria: ACMG Guidelines, 2015. Collection method: clinical testing. Allele origin: unknown.

GeneDx
Classification: Uncertain significance. Last evaluated: 2017-04-21. Review status: criteria provided, single submitter. Criteria: GeneDx Variant Classification (06012015). Collection method: clinical testing. Allele origin: germline. Affected: yes.
Comment: A variant of uncertain significance has been identified in the TNNT2 gene. The G279R variant has not been published as pathogenic or been reported as benign to our knowledge. This variant is not observed at a significant frequency in large population cohorts (Lek et al., 2016; 1000 Genomes Consortium et al., 2015; Exome Variant Server). The G279R variant is a non-conservative amino acid substitution, which is likely to impact secondary protein structure as these residues differ in polarity, charge, size and/or other properties. Additionally, this substitution occurs at a position that is conserved across species. Furthermore, in silico analysis predicts this variant is probably damaging to the protein structure/function. Nevertheless, the G279R variant lacks observation in a significant number of affected individuals, segregation data, and functional evidence, which would further clarify its pathogenicity.

Literature cited by the submitters: PubMed 33954932 (cited by Ambry Genetics); PubMed 38612618 (cited by Ambry Genetics).